The following is an entry in ClinVar:

NM_000222.3(KIT):c.2317T>G (p.Ser773Ala)

Gene: KIT (KIT proto-oncogene, receptor tyrosine kinase; plus strand). Cytogenetic location: 4q12.
Variant type: single nucleotide variant.
Coding change: c.2317T>G on transcript NM_000222.3 (MANE Select); coding-DNA position 2317, T replaced by G.
Protein change: p.Ser773Ala; replaces serine 773 with alanine.
Molecular consequence: missense variant.
Genome position (GRCh38, 1-based): chr4:54,731,954, T>G. VCF-style: chr4-54731954-T-G. GRCh37 (hg19) VCF-style: chr4-55598120-T-G.
Other names: c.2305T>G, p.Ser769Ala (NM_001093772.2, NM_001385292.1); c.2320T>G, p.Ser774Ala (NM_001385284.1); c.2314T>G, p.Ser772Ala (NM_001385285.1); c.2302T>G, p.Ser768Ala (NM_001385286.1); c.2308T>G, p.Ser770Ala (NM_001385288.1); c.2317T>G, p.Ser773Ala (NM_001385290.1); short protein forms S769A, S772A, S773A, S768A, S774A, S770A.
Identifiers: ClinVar variation 1789505 (VCV001789505.5), dbSNP rs2109795713, ClinGen allele CA356911030.
Genomic context (GRCh38, chr4:54,731,954, plus strand): 5'-ACTCCCGCCATCATGGAGGATGACGAGTTGGCCCTAGACTTAGAAGACTTGCTGAGCTTT[T>G]CTTACCAGGTGGCAAAGGGCATGGCTTTCCTCGCCTCCAAGAATGTAAGTGGGAGTGATT-3'
Protein context (NP_000213.1, residues 763-783): ALDLEDLLSF[Ser773Ala]YQVAKGMAFL

ClinVar aggregate classification (germline): Uncertain significance. Review status: criteria provided, multiple submitters, no conflicts (2 of 4 stars). 2 submissions from 2 submitters: Uncertain significance (2). Last evaluated 2025-11-04.

Conditions:
Hereditary cancer-predisposing syndrome. Also called: Neoplastic Syndromes, Hereditary; Tumor predisposition; Hereditary Cancer Syndrome; Hereditary neoplastic syndrome. Identifiers: Orphanet 140162, MedGen C0027672, MeSH D009386, MONDO:0015356.
Gastrointestinal stromal tumor. Also called: Gastrointestinal stromal tumor, somatic; Gastrointestinal stroma tumor. Identifiers: Orphanet 44890, MedGen C0238198, MeSH D046152, MONDO:0011719, OMIM 606764, HP:0100723.

Allele frequency attached by ClinVar (database versions not stated): gnomAD exomes below 0.00001.
gnomAD v4.1: 2 of 1,613,848 alleles (0.00012%); highest among the groups gnomAD compares: Non-Finnish European, 0.00017%; no homozygotes.

Submissions (2):

Ambry Genetics
Classification: Uncertain significance for Hereditary cancer-predisposing syndrome. Last evaluated: 2025-11-04. Review status: criteria provided, single submitter. Criteria: Ambry Variant Classification Scheme 2023. Collection method: clinical testing. Allele origin: germline.
Comment: The p.S773A variant (also known as c.2317T>G), located in coding exon 16 of the KIT gene, results from a T to G substitution at nucleotide position 2317. The serine at codon 773 is replaced by alanine, an amino acid with similar properties. This amino acid position is conserved. In addition, the in silico prediction for this alteration is inconclusive. Based on the available evidence, the clinical significance of this variant remains unclear.

Labcorp Genetics (formerly Invitae), Labcorp
Classification: Uncertain significance for Gastrointestinal stromal tumor. Last evaluated: 2023-03-08. Review status: criteria provided, single submitter. Criteria: Invitae Variant Classification Sherloc (09022015). Collection method: clinical testing. Allele origin: germline.
Comment: In summary, the available evidence is currently insufficient to determine the role of this variant in disease. Therefore, it has been classified as a Variant of Uncertain Significance. This sequence change replaces serine, which is neutral and polar, with alanine, which is neutral and non-polar, at codon 773 of the KIT protein (p.Ser773Ala). This variant is not present in population databases (gnomAD no frequency). This variant has not been reported in the literature in individuals affected with KIT-related conditions. ClinVar contains an entry for this variant (Variation ID: 1789505). An algorithm developed to predict the effect of missense changes on protein structure and function (PolyPhen-2) suggests that this variant is likely to be disruptive.